The following is an entry in ClinVar:

ClinVar aggregate classification (germline): Likely pathogenic (1 of 4 stars; one submission).

Conditions:
Breast-ovarian cancer, familial, susceptibility to, 3. Also called: RAD51C-Related Breast/Ovarian Cancer. Identifiers: Orphanet 145, MedGen C3150659, MONDO:0013253, OMIM 613399.

Submission:

St. Jude Molecular Pathology, St. Jude Children's Research Hospital
Classification: Likely pathogenic for Breast-ovarian cancer, familial, susceptibility to, 3. Last evaluated: 2023-10-26. Review status: criteria provided, single submitter. Criteria: St. Jude Assertion Criteria 2020. Collection method: clinical testing. Allele origin: germline.
Comment: The RAD51C c.572-1854_705+2812del variant is a gross deletion of the genomic region encompassing exon 4 of the RAD51C gene. The 5’ end is likely confined to intron 3. The 3’ end of this event is likely confined to intron 4. This deletion is predicted to cause a frameshift and the creation of a premature stop codon (p.Glu191Glyfs*16). This change is predicted to cause protein truncation or absence of protein due to nonsense-mediated decay. Deletions including exon 4 of RAD51C have been reported in the literature in individuals with hereditary breast and ovarian cancer (PMID: 28888541, 32107557, 33219106, 34487234). Loss-of-function variants in RAD51C are known to be pathogenic (PMID: 20400964, 21990120). In summary, this variant meets criteria to be classified as likely pathogenic.

NM_058216.3(RAD51C):c.572-1854_705+2812del

Genes: RAD51C (RAD51 paralog C; plus strand), LOC129390903 (MPRA-validated peak2919 silencer; plus strand). Cytogenetic location: 17q22.
Variant type: Deletion.
Coding change: c.572-1854_705+2812del on transcript NM_058216.3 (MANE Select); 1854 bases into the intron before coding-DNA position 572 through 2812 bases into the intron after coding-DNA position 705, 4,800 bases deleted.
Molecular consequence: splice acceptor variant, splice donor variant.
Genome position (GRCh38, 1-based): chr17:58,701,342-58,706,141, 4,800 bases deleted. GRCh37 (hg19): chr17:56,778,703-56,783,502.
Identifiers: ClinVar variation 2663993 (VCV002663993.1), ClinGen allele CA2695200294.